The following is an entry in ClinVar:

NM_000340.2(SLC2A2):c.*356A>T

Gene: SLC2A2 (solute carrier family 2 member 2; minus strand). Cytogenetic location: 3q26.2.
Variant type: single nucleotide variant.
Coding change: c.*356A>T on transcript NM_000340.2 (MANE Select); 356 bases downstream of the stop codon, A replaced by T.
Molecular consequence: 3 prime UTR variant.
Genome position (GRCh38, 1-based): chr3:170,997,547, T>A on the plus strand (A>T on the coding strand, the complement: SLC2A2 is on the minus strand). VCF-style: chr3-170997547-T-A. GRCh37 (hg19) VCF-style: chr3-170715336-T-A.
Other names: c.*356A>T (NM_001278658.2, NM_001278659.2).
Identifiers: ClinVar variation 344152 (VCV000344152.5), dbSNP rs7610064, ClinGen allele CA10615294.

ClinVar aggregate classification (germline): Benign (1 of 4 stars; one submission).

Conditions:
Fanconi-Bickel syndrome (FBS). Also called: HEPATIC GLYCOGENOSIS WITH FANCONI NEPHROPATHY; HEPATORENAL GLYCOGENOSIS WITH RENAL FANCONI SYNDROME; PSEUDO-PHLORIZIN DIABETES; Glycogen storage disease due to GLUT2 deficiency; FANCONI SYNDROME WITH INTESTINAL MALABSORPTION AND GALACTOSE INTOLERANCE; HEPATIC GLYCOGENOSIS WITH AMINO ACIDURIA AND GLUCOSURIA. Identifiers: Orphanet 2088, MedGen C3495427, MONDO:0009216, OMIM 227810.

Allele frequency attached by ClinVar (database versions not stated): gnomAD exomes 0.00075; gnomAD 0.01272 and 0.01356; TOPMed 0.01422; 1000 Genomes Project 0.01498; 1000 Genomes Project 30x 0.01624.
gnomAD v4.1: 1,970 of 209,644 alleles (0.94%); highest among the groups gnomAD compares: African/African-American, 4.4%; 47 homozygotes.

Submission:

Illumina Laboratory Services, Illumina
Classification: Benign for Fanconi-Bickel syndrome. Last evaluated: 2018-01-12. Review status: criteria provided, single submitter. Criteria: ICSL Variant Classification Criteria 13 December 2019. Collection method: clinical testing. Allele origin: germline.
Comment: This variant was observed in the ICSL laboratory as part of a predisposition screen in an ostensibly healthy population. It had not been previously curated by ICSL or reported in the Human Gene Mutation Database (HGMD: prior to June 1st, 2018), and was therefore a candidate for classification through an automated scoring system. Utilizing variant allele frequency, disease prevalence and penetrance estimates, and inheritance mode, an automated score was calculated to assess if this variant is too frequent to cause the disease. Based on the score and internal cut-off values, a variant classified as benign is not then subjected to further curation. The score for this variant resulted in a classification of benign for this disease.